The following is an entry in ClinVar:

NM_000540.3(RYR1):c.7633G>A (p.Glu2545Lys)

Gene: RYR1 (ryanodine receptor 1; plus strand). Cytogenetic location: 19q13.2.
Variant type: single nucleotide variant.
Coding change: c.7633G>A on transcript NM_000540.3 (MANE Select); coding-DNA position 7633, G replaced by A.
Protein change: p.Glu2545Lys; replaces glutamic acid 2545 with lysine.
Molecular consequence: missense variant.
Genome position (GRCh38, 1-based): chr19:38,502,525, G>A. VCF-style: chr19-38502525-G-A. GRCh37 (hg19) VCF-style: chr19-38993165-G-A.
Other names: c.7633G>A, p.Glu2545Lys (NM_001042723.2); short protein forms E2545K.
Identifiers: ClinVar variation 3073892 (VCV003073892.1), dbSNP rs752762748, ClinGen allele CA082493.
Genomic context (GRCh38, chr19:38,502,525, plus strand): 5'-AGGGGTGTGCAGCGGGCCTGATGTCCTCACCCTGCGCCCTAGGCCACTTTCAGCACCACC[G>A]AGATGGCGCTGGCGCTGAACCGCTACCTGTGCCTGGCCGTGCTGCCGCTCATCACCAAGT-3'
Protein context (NP_000531.2, residues 2535-2555): SLDTATFSTT[Glu2545Lys]MALALNRYLC

ClinVar aggregate classification (germline): Uncertain significance (1 of 4 stars; one submission).

Conditions:
Malignant hyperthermia, susceptibility to, 1 (MHS1). Also called: Anesthesia related hyperthermia; Malignant hyperpyrexia; Fulminating hyperpyrexia; Pharmacogenic myopathy; RYR1-Related Malignant Hyperthermia Susceptibility; Malignant hyperthermia suceptibility 1. Identifiers: Orphanet 423, MedGen C2930980, MONDO:0007783, OMIM 145600.

Allele frequency attached by ClinVar (database versions not stated): gnomAD exomes below 0.00001; TOPMed 0.00002.
gnomAD v4.1: 5 of 1,608,574 alleles (0.00031%); highest among the groups gnomAD compares: Non-Finnish European, 0.00042%; no homozygotes.

Submission:

All of Us Research Program, National Institutes of Health
Classification: Uncertain significance for Malignant hyperthermia, susceptibility to, 1. Last evaluated: 2023-11-30. Review status: criteria provided, single submitter. Criteria: ACMG Guidelines, 2015. Collection method: clinical testing. Allele origin: germline. Inheritance: Autosomal dominant inheritance. Observed: 1 variant allele, 1 heterozygote.
Comment: This study involves interpretation of variants in research participants for the purpose of population health screening. Participant phenotype was not available at the time of variant classification. Additional details can be found in publication PMID: 35346344, PMCID: PMC8962531